The following is an entry in ClinVar:

ClinVar aggregate classification (germline): Benign. Review status: criteria provided, multiple submitters, no conflicts (2 of 4 stars). 2 submissions from 2 submitters: Benign (2). Last evaluated 2018-01-12.

Conditions:
Neuropathy, hereditary sensory and autonomic, type 1C. Also called: HSAN IC; HSN IC. Identifiers: Orphanet 36386, MedGen C3150896, MONDO:0013337, OMIM 613640.

Allele frequency attached by ClinVar (database versions not stated): TOPMed 0.72752; gnomAD 0.73771 and 0.74610; 1000 Genomes Project 30x 0.75219; 1000 Genomes Project 0.76058; gnomAD exomes 0.84268.
gnomAD v4.1: 320,685 of 398,208 alleles (81%); highest among the groups gnomAD compares: East Asian, 97%; 132,027 homozygotes.

Submissions (2):

Illumina Laboratory Services, Illumina
Classification: Benign for Neuropathy, hereditary sensory and autonomic, type 1C. Last evaluated: 2018-01-12. Review status: criteria provided, single submitter. Criteria: ICSL Variant Classification Criteria 13 December 2019. Collection method: clinical testing. Allele origin: germline.
Comment: This variant was observed in the ICSL laboratory as part of a predisposition screen in an ostensibly healthy population. It had not been previously curated by ICSL or reported in the Human Gene Mutation Database (HGMD: prior to June 1st, 2018), and was therefore a candidate for classification through an automated scoring system. Utilizing variant allele frequency, disease prevalence and penetrance estimates, and inheritance mode, an automated score was calculated to assess if this variant is too frequent to cause the disease. Based on the score and internal cut-off values, a variant classified as benign is not then subjected to further curation. The score for this variant resulted in a classification of benign for this disease.

Breakthrough Genomics
Classification: Benign. Review status: criteria provided, single submitter. Criteria: ACMG Guidelines, 2015. Collection method: not provided. Allele origin: germline. Inheritance: Autosomal dominant inheritance. Affected: yes.

NM_004863.4(SPTLC2):c.*2302A>G

Gene: SPTLC2 (serine palmitoyltransferase long chain base subunit 2; minus strand). Cytogenetic location: 14q24.3.
Variant type: single nucleotide variant.
Coding change: c.*2302A>G on transcript NM_004863.4 (MANE Select); 2302 bases downstream of the stop codon, A replaced by G.
Molecular consequence: 3 prime UTR variant.
Genome position (GRCh38, 1-based): chr14:77,509,982, T>C on the plus strand (A>G on the coding strand, the complement: SPTLC2 is on the minus strand). VCF-style: chr14-77509982-T-C. GRCh37 (hg19) VCF-style: chr14-77976325-T-C.
Identifiers: ClinVar variation 314628 (VCV000314628.6), dbSNP rs11159269, ClinGen allele CA10641152.